The following is an entry in ClinVar:

NM_012431.3(SEMA3E):c.635T>C (p.Ile212Thr)

Gene: SEMA3E (semaphorin 3E; minus strand). Cytogenetic location: 7q21.11.
Variant type: single nucleotide variant.
Coding change: c.635T>C on transcript NM_012431.3 (MANE Select); coding-DNA position 635, T replaced by C.
Protein change: p.Ile212Thr; replaces isoleucine 212 with threonine.
Molecular consequence: missense variant.
Genome position (GRCh38, 1-based): chr7:83,408,403, A>G on the plus strand (T>C on the coding strand, the complement: SEMA3E is on the minus strand). VCF-style: chr7-83408403-A-G. GRCh37 (hg19) VCF-style: chr7-83037719-A-G.
Other names: c.455T>C, p.Ile152Thr (NM_001178129.2); short protein forms I152T, I212T.
Identifiers: ClinVar variation 963545 (VCV000963545.10), dbSNP rs1429112884, ClinGen allele CA367931415.

ClinVar aggregate classification (germline): Uncertain significance. Review status: criteria provided, multiple submitters, no conflicts (2 of 4 stars). 2 submissions from 2 submitters: Uncertain significance (2). Last evaluated 2026-06-15.

Conditions:
SEMA3E-related disorder. Also called: SEMA3E-related condition.
CHARGE syndrome (CHARGE). Also called: Hittner Hirsch Kreh syndrome; Coloboma, heart anomaly, choanal atresia, retardation, genital and ear anomalies; CHARGE association; Hall-Hittner syndrome; CHARGE ASSOCIATION--COLOBOMA, HEART ANOMALY, CHOANAL ATRESIA, RETARDATION, GENITAL AND EAR ANOMALIES. Identifiers: Orphanet 138, MedGen C0265354, MONDO:0008965.

Allele frequency attached by ClinVar (database versions not stated): gnomAD 0.00001; TOPMed 0.00001.
gnomAD v4.1: 2 of 1,613,698 alleles (0.00012%); highest among the groups gnomAD compares: Non-Finnish European, 0.00017%; no homozygotes.

Submissions (2):

PreventionGenetics, part of Exact Sciences
Classification: Uncertain significance for SEMA3E-related condition. Last evaluated: 2026-06-15. Review status: criteria provided, single submitter. Criteria: ACMG Guidelines, 2015. Collection method: clinical testing. Allele origin: germline.
Comment: The SEMA3E c.635T>C variant is predicted to result in the amino acid substitution p.Ile212Thr. To our knowledge, this variant has not been reported in the literature or in a large population database (gnomAD), indicating this variant is rare. At this time, the clinical significance of this variant is uncertain due to the absence of conclusive functional and genetic evidence.

Labcorp Genetics (formerly Invitae), Labcorp
Classification: Uncertain significance for CHARGE syndrome. Last evaluated: 2019-07-12. Review status: criteria provided, single submitter. Criteria: Invitae Variant Classification Sherloc (09022015). Collection method: clinical testing. Allele origin: germline.
Comment: Algorithms developed to predict the effect of missense changes on protein structure and function are either unavailable or do not agree on the potential impact of this missense change (SIFT: "Deleterious"; PolyPhen-2: "Possibly Damaging"; Align-GVGD: "Class C0"). This sequence change replaces isoleucine with threonine at codon 212 of the SEMA3E protein (p.Ile212Thr). The isoleucine residue is highly conserved and there is a moderate physicochemical difference between isoleucine and threonine. This variant is not present in population databases (ExAC no frequency). This variant has not been reported in the literature in individuals with SEMA3E-related conditions. In summary, the available evidence is currently insufficient to determine the role of this variant in disease. Therefore, it has been classified as a Variant of Uncertain Significance.